The following is an entry in ClinVar:

NM_031942.5(CDCA7):c.760C>T (p.Arg254Trp)

Gene: CDCA7 (cell division cycle associated 7; plus strand). Cytogenetic location: 2q31.1.
Variant type: single nucleotide variant.
Coding change: c.760C>T on transcript NM_031942.5 (MANE Select); coding-DNA position 760, C replaced by T.
Protein change: p.Arg254Trp; replaces arginine 254 with tryptophan.
Molecular consequence: missense variant.
Genome position (GRCh38, 1-based): chr2:173,364,855, C>T. VCF-style: chr2-173364855-C-T. GRCh37 (hg19) VCF-style: chr2-174229583-C-T.
Other names: c.523C>T, p.Arg175Trp (NM_145810.3); short protein forms R175W, R254W.
Identifiers: ClinVar variation 1002120 (VCV001002120.6), dbSNP rs145479884, ClinGen allele CA1971327.
Genomic context (GRCh38, chr2:173,364,855, plus strand): 5'-CAATCAAGGAGACCGCGAAGGCGTACATTCCCGGGTGTTGCTTCCAGGAGAAACCCTGAA[C>T]GGAGAGCTCGTCCTCTTACCAGGTCAAGGTCCCGGATCCTCGGGTCCCTTGACGCTCTAC-3'
Protein context (NP_114148.3, residues 244-264): PGVASRRNPE[Arg254Trp]RARPLTRSRS

ClinVar aggregate classification (germline): Uncertain significance (1 of 4 stars; one submission).

Allele frequency attached by ClinVar (database versions not stated): ExAC 0.00001; gnomAD exomes 0.00001; TOPMed 0.00002; ESP Exome Variant Server 0.00008.
gnomAD v4.1: 22 of 1,611,320 alleles (0.0014%); highest among the groups gnomAD compares: Middle Eastern, 0.033%; no homozygotes.

Submission:

Labcorp Genetics (formerly Invitae), Labcorp
Classification: Uncertain significance. Last evaluated: 2022-09-27. Review status: criteria provided, single submitter. Criteria: Invitae Variant Classification Sherloc (09022015). Collection method: clinical testing. Allele origin: germline.
Comment: This sequence change replaces arginine, which is basic and polar, with tryptophan, which is neutral and slightly polar, at codon 254 of the CDCA7 protein (p.Arg254Trp). This variant is present in population databases (rs145479884, gnomAD 0.003%). This variant has not been reported in the literature in individuals affected with CDCA7-related conditions. ClinVar contains an entry for this variant (Variation ID: 1002120). Advanced modeling of protein sequence and biophysical properties (such as structural, functional, and spatial information, amino acid conservation, physicochemical variation, residue mobility, and thermodynamic stability) performed at Invitae indicates that this missense variant is expected to disrupt CDCA7 protein function. In summary, the available evidence is currently insufficient to determine the role of this variant in disease. Therefore, it has been classified as a Variant of Uncertain Significance.